The following is an entry in ClinVar:

NM_000104.4(CYP1B1):c.1153C>T (p.Leu385Phe)

Gene: CYP1B1 (cytochrome P450 family 1 subfamily B member 1; minus strand). Cytogenetic location: 2p22.2.
Variant type: single nucleotide variant.
Coding change: c.1153C>T on transcript NM_000104.4 (MANE Select); coding-DNA position 1153, C replaced by T.
Protein change: p.Leu385Phe; replaces leucine 385 with phenylalanine.
Molecular consequence: missense variant.
Genome position (GRCh38, 1-based): chr2:38,071,201, G>A on the plus strand (C>T on the coding strand, the complement: CYP1B1 is on the minus strand). VCF-style: chr2-38071201-G-A. GRCh37 (hg19) VCF-style: chr2-38298344-G-A.
Other names: short protein forms L385F.
Identifiers: ClinVar variation 2681123 (VCV002681123.6), dbSNP rs920199421, ClinGen allele CA45506612.

ClinVar aggregate classification (germline): Likely pathogenic. Review status: criteria provided, multiple submitters, no conflicts (2 of 4 stars). 3 submissions from 3 submitters: Likely pathogenic (3). Last evaluated 2024-10-28.

Conditions:
Congenital glaucoma. Identifiers: MedGen C0020302, MONDO:0020366.
Anterior segment dysgenesis 6 (ASGD6). Also called: Anterior segment dysgenesis 6, multiple subtypes. Identifiers: MedGen C4310623, MONDO:0015016, OMIM 617315.
Primary congenital glaucoma. Also called: Primary congenital glaucoma (disease). Identifiers: MedGen C1533041, MONDO:0000365, HP:0008007.

Allele frequency attached by ClinVar (database versions not stated): gnomAD exomes below 0.00001; gnomAD 0.00001.

Submissions (3):

Women's Health and Genetics/Laboratory Corporation of America, LabCorp
Classification: Likely pathogenic for Primary congenital glaucoma. Last evaluated: 2024-10-28. Review status: criteria provided, single submitter. Criteria: LabCorp Variant Classification Summary - May 2015. Collection method: clinical testing. Allele origin: germline.
Comment: Variant summary: CYP1B1 c.1153C>T (p.Leu385Phe) results in a non-conservative amino acid change in the encoded protein sequence. Four of five in-silico tools predict a damaging effect of the variant on protein function. The variant allele was found at a frequency of 4e-06 in 248742 control chromosomes. c.1153C>T has been reported in the literature in multiple homozygous individuals affected with Primary Congenital Glaucoma (e.g., Jiang_2007). These data indicate that the variant is very likely to be associated with disease. To our knowledge, no experimental evidence demonstrating an impact on protein function has been reported. The following publication has been ascertained in the context of this evaluation (PMID: 18070520). ClinVar contains an entry for this variant (Variation ID: 2681123). Based on the evidence outlined above, the variant was classified as likely pathogenic.

Baylor Genetics
Classification: Likely pathogenic for Anterior segment dysgenesis 6. Last evaluated: 2024-02-16. Review status: criteria provided, single submitter. Criteria: ACMG Guidelines, 2015. Collection method: clinical testing. Allele origin: unknown.

Labcorp Genetics (formerly Invitae), Labcorp
Classification: Likely pathogenic for Congenital glaucoma. Last evaluated: 2023-12-30. Review status: criteria provided, single submitter. Criteria: Invitae Variant Classification Sherloc (09022015). Collection method: clinical testing. Allele origin: germline.
Comment: This sequence change replaces leucine, which is neutral and non-polar, with phenylalanine, which is neutral and non-polar, at codon 385 of the CYP1B1 protein (p.Leu385Phe). This variant is present in population databases (no rsID available, gnomAD 0.02%). This missense change has been observed in individuals with primary congenital glaucoma (PMID: 18070520). Advanced modeling of protein sequence and biophysical properties (such as structural, functional, and spatial information, amino acid conservation, physicochemical variation, residue mobility, and thermodynamic stability) has been performed at Invitae for this missense variant, however the output from this modeling did not meet the statistical confidence thresholds required to predict the impact of this variant on CYP1B1 protein function. In summary, the currently available evidence indicates that the variant is pathogenic, but additional data are needed to prove that conclusively. Therefore, this variant has been classified as Likely Pathogenic.

Literature cited by the submitters: PubMed 18070520 (cited by Women's Health and Genetics/Laboratory Corporation of America, LabCorp and Labcorp Genetics (formerly Invitae), Labcorp).